The following is an entry in ClinVar:

ClinVar aggregate classification (germline): Likely pathogenic (1 of 4 stars; one submission).

Submission:

Labcorp Genetics (formerly Invitae), Labcorp
Classification: Likely pathogenic. Last evaluated: 2024-01-29. Review status: criteria provided, single submitter. Criteria: Invitae Variant Classification Sherloc (09022015). Collection method: clinical testing. Allele origin: germline.
Comment: This sequence change replaces leucine, which is neutral and non-polar, with phenylalanine, which is neutral and non-polar, at codon 688 of the OCA2 protein (p.Leu688Phe). This variant is not present in population databases (gnomAD no frequency). This missense change has been observed in individual(s) with clinical features of oculocutaneous albinism (PMID: 10649493, 29345414; Invitae). In at least one individual the data is consistent with being in trans (on the opposite chromosome) from a pathogenic variant. ClinVar contains an entry for this variant (Variation ID: 2137629). Advanced modeling of protein sequence and biophysical properties (such as structural, functional, and spatial information, amino acid conservation, physicochemical variation, residue mobility, and thermodynamic stability) performed at Invitae indicates that this missense variant is expected to disrupt OCA2 protein function with a positive predictive value of 80%. In summary, the currently available evidence indicates that the variant is pathogenic, but additional data are needed to prove that conclusively. Therefore, this variant has been classified as Likely Pathogenic.

Literature cited by the submitters: PubMed 10649493; PubMed 29345414.

NM_000275.3(OCA2):c.2062C>T (p.Leu688Phe)

Gene: OCA2 (OCA2 melanosomal transmembrane protein; minus strand). Cytogenetic location: 15q13.1.
Variant type: single nucleotide variant.
Coding change: c.2062C>T on transcript NM_000275.3 (MANE Select); coding-DNA position 2062, C replaced by T.
Protein change: p.Leu688Phe; replaces leucine 688 with phenylalanine.
Molecular consequence: missense variant.
Genome position (GRCh38, 1-based): chr15:27,926,144, G>A on the plus strand (C>T on the coding strand, the complement: OCA2 is on the minus strand). VCF-style: chr15-27926144-G-A. GRCh37 (hg19) VCF-style: chr15-28171290-G-A.
Other names: c.1990C>T, p.Leu664Phe (NM_001300984.2); short protein forms L688F, L664F.
Identifiers: ClinVar variation 2137629 (VCV002137629.4), dbSNP rs2506064389, ClinGen allele CA391360936.